The following is an entry in ClinVar:

ClinVar aggregate classification (germline): Likely benign (0 of 4 stars; one submission).

Conditions:
PLXNA4-related disorder. Also called: PLXNA4-related condition.

gnomAD v4.1: 44 of 1,614,132 alleles (0.0027%); highest among the groups gnomAD compares: Middle Eastern, 0.017%; no homozygotes.

Submission:

PreventionGenetics, part of Exact Sciences
Classification: Likely benign for PLXNA4-related condition. Last evaluated: 2024-03-04. Review status: no assertion criteria provided. Collection method: clinical testing. Allele origin: germline.
Comment: This variant is classified as likely benign based on ACMG/AMP sequence variant interpretation guidelines (Richards et al. 2015 PMID: 25741868, with internal and published modifications).

NM_020911.2(PLXNA4):c.3270C>T (p.Asn1090=)

Gene: PLXNA4 (plexin A4; minus strand). Cytogenetic location: 7q32.3.
Variant type: single nucleotide variant.
Coding change: c.3270C>T on transcript NM_020911.2 (MANE Select); coding-DNA position 3270, C replaced by T.
Protein change: p.Asn1090=; no amino-acid change (asparagine 1090 retained).
Molecular consequence: synonymous variant.
Genome position (GRCh38, 1-based): chr7:132,181,603, G>A on the plus strand (C>T on the coding strand, the complement: PLXNA4 is on the minus strand). VCF-style: chr7-132181603-G-A. GRCh37 (hg19) VCF-style: chr7-131866362-G-A.
Other names: c.3270C>T, p.Asn1090= (NM_001393897.1).
Identifiers: ClinVar variation 3349168 (VCV003349168.1).